The following is an entry in ClinVar:

ClinVar aggregate classification (germline): Uncertain significance (1 of 4 stars; one submission).

gnomAD v4.1: 9 of 1,611,524 alleles (0.00056%); highest among the groups gnomAD compares: South Asian, 0.0044%; no homozygotes.

Submission:

Labcorp Genetics (formerly Invitae), Labcorp
Classification: Uncertain significance. Last evaluated: 2024-09-11. Review status: criteria provided, single submitter. Criteria: Invitae Variant Classification Sherloc (09022015). Collection method: clinical testing. Allele origin: germline.
Comment: This sequence change replaces arginine, which is basic and polar, with tryptophan, which is neutral and slightly polar, at codon 18 of the KCNJ13 protein (p.Arg18Trp). This variant is present in population databases (rs753827612, gnomAD 0.007%). This variant has not been reported in the literature in individuals affected with KCNJ13-related conditions. Invitae Evidence Modeling of protein sequence and biophysical properties (such as structural, functional, and spatial information, amino acid conservation, physicochemical variation, residue mobility, and thermodynamic stability) indicates that this missense variant is not expected to disrupt KCNJ13 protein function with a negative predictive value of 80%. Algorithms developed to predict the effect of sequence changes on RNA splicing suggest that this variant may disrupt the consensus splice site. In summary, the available evidence is currently insufficient to determine the role of this variant in disease. Therefore, it has been classified as a Variant of Uncertain Significance.

NM_002242.4(KCNJ13):c.52C>T (p.Arg18Trp)

Genes: GIGYF2 (GRB10 interacting GYF protein 2; plus strand), KCNJ13 (potassium inwardly rectifying channel subfamily J member 13; minus strand). Cytogenetic location: 2q37.1.
Variant type: single nucleotide variant.
Coding change: c.52C>T on transcript NM_002242.4 (MANE Select); coding-DNA position 52, C replaced by T.
Protein change: p.Arg18Trp; replaces arginine 18 with tryptophan.
Molecular consequence: missense variant. On other transcripts: intron variant (5).
Genome position (GRCh38, 1-based): chr2:232,771,311, G>A on the plus strand (C>T on the coding strand, the complement: KCNJ13 is on the minus strand). VCF-style: chr2-232771311-G-A. GRCh37 (hg19) VCF-style: chr2-233636021-G-A.
Other names: c.52C>T, p.Arg18Trp (NM_001172416.1); c.532+9875G>A (NM_001103146.3, NM_015575.4, NM_001103148.2); c.533-5101G>A (NM_001103147.2); c.-23-166C>T (NM_001172417.1); short protein forms R18W.
Identifiers: ClinVar variation 3695534 (VCV003695534.2).